The following is an entry in ClinVar:

NM_000260.4(MYO7A):c.2154C>G (p.Asp718Glu)

Gene: MYO7A (myosin VIIA; plus strand). Cytogenetic location: 11q13.5.
Variant type: single nucleotide variant.
Coding change: c.2154C>G on transcript NM_000260.4 (MANE Select); coding-DNA position 2154, C replaced by G.
Protein change: p.Asp718Glu; replaces aspartic acid 718 with glutamic acid.
Molecular consequence: missense variant.
Genome position (GRCh38, 1-based): chr11:77,175,431, C>G. VCF-style: chr11-77175431-C-G. GRCh37 (hg19) VCF-style: chr11-76886477-C-G.
Other names: c.2154C>G, p.Asp718Glu (NM_001127180.2); c.2121C>G, p.Asp707Glu (NM_001369365.1); short protein forms D707E, D718E.
Identifiers: ClinVar variation 1492953 (VCV001492953.7), dbSNP rs2135430635, ClinGen allele CA381939713.

ClinVar aggregate classification (germline): Uncertain significance (1 of 4 stars; one submission).

Submission:

Labcorp Genetics (formerly Invitae), Labcorp
Classification: Uncertain significance. Last evaluated: 2024-10-28. Review status: criteria provided, single submitter. Criteria: Invitae Variant Classification Sherloc (09022015). Collection method: clinical testing. Allele origin: germline.
Comment: This sequence change replaces aspartic acid, which is acidic and polar, with glutamic acid, which is acidic and polar, at codon 718 of the MYO7A protein (p.Asp718Glu). This variant is not present in population databases (gnomAD no frequency). This variant has not been reported in the literature in individuals affected with MYO7A-related conditions. ClinVar contains an entry for this variant (Variation ID: 1492953). Invitae Evidence Modeling of protein sequence and biophysical properties (such as structural, functional, and spatial information, amino acid conservation, physicochemical variation, residue mobility, and thermodynamic stability) indicates that this missense variant is not expected to disrupt MYO7A protein function with a negative predictive value of 95%. In summary, the available evidence is currently insufficient to determine the role of this variant in disease. Therefore, it has been classified as a Variant of Uncertain Significance.